The following is an entry in ClinVar:

NM_000548.5(TSC2):c.133C>G (p.Leu45Val)

Gene: TSC2 (TSC complex subunit 2; plus strand). Cytogenetic location: 16p13.3.
Variant type: single nucleotide variant.
Coding change: c.133C>G on transcript NM_000548.5 (MANE Select); coding-DNA position 133, C replaced by G.
Protein change: p.Leu45Val; replaces leucine 45 with valine.
Molecular consequence: missense variant. On other transcripts: 5 prime UTR variant (1), intron variant (1).
Genome position (GRCh38, 1-based): chr16:2,048,748, C>G. VCF-style: chr16-2048748-C-G. GRCh37 (hg19) VCF-style: chr16-2098749-C-G.
Other names: c.133C>G, p.Leu45Val (NM_001077183.3, NM_001114382.3, NM_001318827.2 and 4 more transcripts); c.-94C>G (NM_001318831.2); c.166C>G, p.Leu56Val (NM_001318832.2); c.-10+683C>G (NM_001318829.2); short protein forms L45V, L56V.
Identifiers: ClinVar variation 639412 (VCV000639412.10), dbSNP rs1555494707, ClinGen allele CA394301789.

ClinVar aggregate classification (germline): Uncertain significance. Review status: criteria provided, multiple submitters, no conflicts (2 of 4 stars). 2 submissions from 2 submitters: Uncertain significance (2). Last evaluated 2024-12-18.

Conditions:
Hereditary cancer-predisposing syndrome. Also called: Hereditary Cancer Syndrome; Neoplastic Syndromes, Hereditary; Tumor predisposition; Hereditary neoplastic syndrome. Identifiers: Orphanet 140162, MedGen C0027672, MeSH D009386, MONDO:0015356.
Tuberous sclerosis 2 (TSC2). Identifiers: Orphanet 805, MedGen C1860707, MONDO:0013199, OMIM 613254.

Submissions (2):

Labcorp Genetics (formerly Invitae), Labcorp
Classification: Uncertain significance for Tuberous sclerosis 2. Last evaluated: 2024-12-18. Review status: criteria provided, single submitter. Criteria: Invitae Variant Classification Sherloc (09022015). Collection method: clinical testing. Allele origin: germline.
Comment: This sequence change replaces leucine, which is neutral and non-polar, with valine, which is neutral and non-polar, at codon 45 of the TSC2 protein (p.Leu45Val). This variant is not present in population databases (gnomAD no frequency). This variant has not been reported in the literature in individuals affected with TSC2-related conditions. ClinVar contains an entry for this variant (Variation ID: 639412). Invitae Evidence Modeling of protein sequence and biophysical properties (such as structural, functional, and spatial information, amino acid conservation, physicochemical variation, residue mobility, and thermodynamic stability) indicates that this missense variant is not expected to disrupt TSC2 protein function with a negative predictive value of 95%. Algorithms developed to predict the effect of sequence changes on RNA splicing suggest that this variant may disrupt the consensus splice site. In summary, the available evidence is currently insufficient to determine the role of this variant in disease. Therefore, it has been classified as a Variant of Uncertain Significance.

Ambry Genetics
Classification: Uncertain significance for Hereditary cancer-predisposing syndrome. Last evaluated: 2023-08-31. Review status: criteria provided, single submitter. Criteria: Ambry Variant Classification Scheme 2023. Collection method: clinical testing. Allele origin: germline.
Comment: The p.L45V variant (also known as c.133C>G), located in coding exon 1 of the TSC2 gene, results from a C to G substitution at nucleotide position 133. The leucine at codon 45 is replaced by valine, an amino acid with highly similar properties. This amino acid position is well conserved in available vertebrate species. In addition, the in silico prediction for this alteration is inconclusive. Since supporting evidence is limited at this time, the clinical significance of this alteration remains unclear.